The following is an entry in ClinVar:

ClinVar aggregate classification (germline): Benign. Review status: criteria provided, multiple submitters, no conflicts (2 of 4 stars). 4 submissions from 4 submitters: Benign (4). Last evaluated 2026-02-02.

Conditions:
Autosomal recessive nonsyndromic hearing loss 9. Also called: Deafness, autosomal recessive 9; AUDITORY NEUROPATHY, AUTOSOMAL RECESSIVE, 1, TEMPERATURE-SENSITIVE; NEUROSENSORY NONSYNDROMIC RECESSIVE DEAFNESS 9; OTOF-Related Hearing Loss. Identifiers: Orphanet 90636, MedGen C1832828, MONDO:0010986, OMIM 601071.

Allele frequency attached by ClinVar (database versions not stated): ESP Exome Variant Server 0.00023; gnomAD exomes 0.00117 and 0.00361; gnomAD 0.00121 and 0.00174; TOPMed 0.00180; 1000 Genomes Project 30x 0.01015; 1000 Genomes Project 0.01178.

Submissions (4):

Labcorp Genetics (formerly Invitae), Labcorp
Classification: Benign. Last evaluated: 2026-02-02. Review status: criteria provided, single submitter. Criteria: Invitae Variant Classification Sherloc (09022015). Collection method: clinical testing. Allele origin: germline.

GeneDx
Classification: Benign. Last evaluated: 2017-08-22. Review status: criteria provided, single submitter. Criteria: GeneDx Variant Classification (06012015). Collection method: clinical testing. Allele origin: germline. Affected: yes.
Comment: This variant is considered likely benign or benign based on one or more of the following criteria: it is a conservative change, it occurs at a poorly conserved position in the protein, it is predicted to be benign by multiple in silico algorithms, and/or has population frequency not consistent with disease.

Illumina Laboratory Services, Illumina
Classification: Benign for Autosomal recessive nonsyndromic hearing loss 9. Last evaluated: 2017-04-27. Review status: criteria provided, single submitter. Criteria: ICSL Variant Classification Criteria 13 December 2019. Collection method: clinical testing. Allele origin: germline.
Comment: This variant was observed as part of a predisposition screen in an ostensibly healthy population. A literature search was performed for the gene, cDNA change, and amino acid change (where applicable). Publications were found based on this search. The evidence from the literature, in combination with allele frequency data from public databases where available, was sufficient to rule this variant out of causing disease. Therefore, this variant is classified as benign.

Laboratory for Molecular Medicine, Mass General Brigham Personalized Medicine
Classification: Benign. Last evaluated: 2011-03-01. Review status: criteria provided, single submitter. Criteria: LMM Criteria. Collection method: clinical testing. Allele origin: germline. Observed: 9 variant alleles.
Comment: Ile1806Ile in exon 43 of OTOF: This variant is not expected to have clinical sig nificance because it has been identified in a similar frequency in Chinese cases (5/146 (3.4%) chromosomes) and controls (8/192 (4.2%) chromosomes) (Wang 2010). In addition, this variant has been identified by our laboratory in three indivi duals; two of whom have another genetic etiology for their hearing loss. Further more, this variant does not alter an amino acid residue and is not located near a splice junction.

Literature cited by the submitters: PubMed 20504331 (cited by Illumina Laboratory Services, Illumina and Laboratory for Molecular Medicine, Mass General Brigham Personalized Medicine).

NM_194248.3(OTOF):c.5418C>T (p.Ile1806=)

Gene: OTOF (otoferlin; minus strand). Cytogenetic location: 2p23.3.
Variant type: single nucleotide variant.
Coding change: c.5418C>T on transcript NM_194248.3 (MANE Select); coding-DNA position 5418, C replaced by T.
Protein change: p.Ile1806=; no amino-acid change (isoleucine 1806 retained).
Molecular consequence: synonymous variant.
Genome position (GRCh38, 1-based): chr2:26,461,811, G>A on the plus strand (C>T on the coding strand, the complement: OTOF is on the minus strand). VCF-style: chr2-26461811-G-A. GRCh37 (hg19) VCF-style: chr2-26684679-G-A.
Other names: c.5418C>T, p.Ile1806= (NM_001287489.2); c.3117C>T, p.Ile1039= (NM_004802.4, NM_194323.3); c.3348C>T, p.Ile1116= (NM_194322.3).
Identifiers: ClinVar variation 48261 (VCV000048261.18), dbSNP rs116990436, ClinGen allele CA142934.